The following is an entry in ClinVar:

ClinVar aggregate classification (germline): Uncertain significance. Review status: criteria provided, multiple submitters, no conflicts (2 of 4 stars). 4 submissions from 4 submitters: Uncertain significance (4). Last evaluated 2025-09-26.

Conditions:
Hypogonadotropic hypogonadism 5 with or without anosmia (KAL5). Also called: HYPOGONADOTROPIC HYPOGONADISM 5 WITH ANOSMIA; CHD7-Related GnRH Deficiency (Kallmann Syndrome 5); HYPOGONADOTROPHIC HYPOGONADISM 5 WITHOUT ANOSMIA. Identifiers: Orphanet 478, MedGen C3552553, MONDO:0012880, OMIM 612370. Disease mechanism: loss of function.
CHARGE syndrome (CHARGE). Also called: Hittner Hirsch Kreh syndrome; CHARGE ASSOCIATION--COLOBOMA, HEART ANOMALY, CHOANAL ATRESIA, RETARDATION, GENITAL AND EAR ANOMALIES; Coloboma, heart anomaly, choanal atresia, retardation, genital and ear anomalies; CHARGE association; Hall-Hittner syndrome. Identifiers: Orphanet 138, MedGen C0265354, MONDO:0008965.
Inborn genetic diseases. Identifiers: MedGen C0950123, MeSH D030342.

Allele frequency attached by ClinVar (database versions not stated): gnomAD 0.00001 and 0.00002; TOPMed 0.00001.
gnomAD v4.1: 8 of 1,607,446 alleles (0.0005%); highest among the groups gnomAD compares: African/African-American, 0.0094%; no homozygotes.

Submissions (4):

Ambry Genetics
Classification: Uncertain significance for Inborn genetic diseases. Last evaluated: 2025-09-26. Review status: criteria provided, single submitter. Criteria: Ambry Variant Classification Scheme 2023. Collection method: clinical testing. Allele origin: germline.

GeneDx
Classification: Uncertain significance. Last evaluated: 2025-05-15. Review status: criteria provided, single submitter. Criteria: GeneDx Variant Classification Process June 2021. Collection method: clinical testing. Allele origin: germline. Affected: yes.
Comment: Not observed at significant frequency in large population cohorts (gnomAD); In silico analysis supports that this missense variant does not alter protein structure/function; Has not been previously published as pathogenic or benign to our knowledge

Labcorp Genetics (formerly Invitae), Labcorp
Classification: Uncertain significance for CHARGE syndrome. Last evaluated: 2024-07-12. Review status: criteria provided, single submitter. Criteria: Invitae Variant Classification Sherloc (09022015). Collection method: clinical testing. Allele origin: germline.
Comment: This sequence change replaces alanine, which is neutral and non-polar, with threonine, which is neutral and polar, at codon 2923 of the CHD7 protein (p.Ala2923Thr). This variant is not present in population databases (gnomAD no frequency). This variant has not been reported in the literature in individuals affected with CHD7-related conditions. ClinVar contains an entry for this variant (Variation ID: 1306658). Advanced modeling of protein sequence and biophysical properties (such as structural, functional, and spatial information, amino acid conservation, physicochemical variation, residue mobility, and thermodynamic stability) performed at Invitae indicates that this missense variant is not expected to disrupt CHD7 protein function with a negative predictive value of 95%. In summary, the available evidence is currently insufficient to determine the role of this variant in disease. Therefore, it has been classified as a Variant of Uncertain Significance.

Fulgent Genetics
Classification: Uncertain significance for CHD7-related CHARGE syndrome; Hypogonadotropic hypogonadism 5 with or without anosmia. Last evaluated: 2021-11-19. Review status: criteria provided, single submitter. Criteria: ACMG Guidelines, 2015. Collection method: clinical testing. Allele origin: unknown.

NM_017780.4(CHD7):c.8767G>A (p.Ala2923Thr)

Gene: CHD7 (chromodomain helicase DNA binding protein 7; plus strand). Cytogenetic location: 8q12.2.
Variant type: single nucleotide variant.
Coding change: c.8767G>A on transcript NM_017780.4 (MANE Select); coding-DNA position 8767, G replaced by A.
Protein change: p.Ala2923Thr; replaces alanine 2923 with threonine.
Molecular consequence: missense variant.
Genome position (GRCh38, 1-based): chr8:60,865,706, G>A. VCF-style: chr8-60865706-G-A. GRCh37 (hg19) VCF-style: chr8-61778265-G-A.
Other names: c.2620G>A, p.Ala874Thr (NM_001316690.1); c.8767G>A (NM_017780.3); short protein forms A2923T, A874T.
Identifiers: ClinVar variation 1306658 (VCV001306658.12), dbSNP rs1242867481, ClinGen allele CA371311667.
Genomic context (GRCh38, chr8:60,865,706, plus strand): 5'-TTCTACCCATCCATGTTTCTACCTCCAGGACTGGGGGGATTGACGCTGCCTGGGTTCCCA[G>A]CATTGGCAGGACTTCAGAATGCCGTGGGCTCCAGCGAAGAAAAGGCTGCTGACAAGGCTG-3'
Protein context (NP_060250.2, residues 2913-2933): LGGLTLPGFP[Ala2923Thr]LAGLQNAVGS